The following is an entry in ClinVar:

ClinVar aggregate classification (germline): Uncertain significance (1 of 4 stars; one submission).

Conditions:
Severe combined immunodeficiency due to DNA-PKcs deficiency. Also called: Immunodeficiency 26 with or without neurologic abnormalities; IMMUNODEFICIENCY 26 WITH NEUROLOGIC ABNORMALITIES. Identifiers: Orphanet 317425, MedGen C4014833, MONDO:0014423, OMIM 615966.

Allele frequency attached by ClinVar (database versions not stated): ExAC 0.00002; gnomAD exomes 0.00002 and 0.00004; TOPMed 0.00002; gnomAD 0.00003 and 0.00004.
gnomAD v4.1: 28 of 1,613,536 alleles (0.0017%); highest among the groups gnomAD compares: Admixed American, 0.015%; no homozygotes.

Submission:

Labcorp Genetics (formerly Invitae), Labcorp
Classification: Uncertain significance for Severe combined immunodeficiency due to DNA-PKcs deficiency. Last evaluated: 2024-10-16. Review status: criteria provided, single submitter. Criteria: Invitae Variant Classification Sherloc (09022015). Collection method: clinical testing. Allele origin: germline.
Comment: This sequence change replaces valine, which is neutral and non-polar, with methionine, which is neutral and non-polar, at codon 3312 of the PRKDC protein (p.Val3312Met). This variant is present in population databases (rs746336789, gnomAD 0.02%). This variant has not been reported in the literature in individuals affected with PRKDC-related conditions. ClinVar contains an entry for this variant (Variation ID: 1394642). Experimental studies and prediction algorithms are not available or were not evaluated, and the functional significance of this variant is currently unknown. In summary, the available evidence is currently insufficient to determine the role of this variant in disease. Therefore, it has been classified as a Variant of Uncertain Significance.

NM_006904.7(PRKDC):c.9934G>A (p.Val3312Met)

Gene: PRKDC (protein kinase, DNA-activated, catalytic subunit; minus strand). Cytogenetic location: 8q11.21.
Variant type: single nucleotide variant.
Coding change: c.9934G>A on transcript NM_006904.7 (MANE Select); coding-DNA position 9934, G replaced by A.
Protein change: p.Val3312Met; replaces valine 3312 with methionine.
Molecular consequence: missense variant.
Genome position (GRCh38, 1-based): chr8:47,800,975, C>T on the plus strand (G>A on the coding strand, the complement: PRKDC is on the minus strand). VCF-style: chr8-47800975-C-T. GRCh37 (hg19) VCF-style: chr8-48713536-C-T.
Other names: c.9934G>A, p.Val3312Met (NM_001081640.2); short protein forms V3312M.
Identifiers: ClinVar variation 1394642 (VCV001394642.5), dbSNP rs746336789, ClinGen allele CA4739430.
Genomic context (GRCh38, chr8:47,800,975, plus strand): 5'-TACCCAAGAGAATGTTCTGGTCACGGAAAGCCAGAATATTTTTGCTTAAGTAGCTTGACA[C>T]GTTGTTCTCATCTGTTGGATTAAAAAAACAAAACAAAACAAAATTTTGTATGTGTGTGTG-3'
Protein context (NP_008835.5, residues 3302-3322): KTVSLLDENN[Val3312Met]SSYLSKNILA